The following is an entry in ClinVar:

ClinVar aggregate classification (germline): Benign/Likely benign. Review status: criteria provided, multiple submitters, no conflicts (2 of 4 stars). 2 submissions from 2 submitters: Benign (1); Likely benign (1). Last evaluated 2025-04-25.

Conditions:
Tuberous sclerosis 1 (TSC1). Identifiers: Orphanet 805, MedGen C1854465, MONDO:0008612, OMIM 191100.

Submissions (2):

Myriad Genetics, Inc.
Classification: Benign for Tuberous sclerosis 1. Last evaluated: 2025-04-25. Review status: criteria provided, single submitter. Criteria: Myriad Autosomal Dominant, Autosomal Recessive and X-Linked Classification Criteria (2023). Collection method: clinical testing. Allele origin: unknown.
Comment: This variant is considered benign. This variant is a silent/synonymous amino acid change and it is not expected to impact splicing.

Labcorp Genetics (formerly Invitae), Labcorp
Classification: Likely benign for Tuberous sclerosis 1. Last evaluated: 2020-01-07. Review status: criteria provided, single submitter. Criteria: Invitae Variant Classification Sherloc (09022015). Collection method: clinical testing. Allele origin: germline.

NM_000368.5(TSC1):c.2511C>T (p.Asn837=)

Gene: TSC1 (TSC complex subunit 1; minus strand). Cytogenetic location: 9q34.13.
Variant type: single nucleotide variant.
Coding change: c.2511C>T on transcript NM_000368.5 (MANE Select); coding-DNA position 2511, C replaced by T.
Protein change: p.Asn837=; no amino-acid change (asparagine 837 retained).
Molecular consequence: synonymous variant.
Genome position (GRCh38, 1-based): chr9:132,900,829, G>A on the plus strand (C>T on the coding strand, the complement: TSC1 is on the minus strand). VCF-style: chr9-132900829-G-A. GRCh37 (hg19) VCF-style: chr9-135776216-G-A.
Other names: c.2508C>T, p.Asn836= (NM_001162426.2); c.2358C>T, p.Asn786= (NM_001162427.2); c.2148C>T, p.Asn716= (NM_001362177.2).
Identifiers: ClinVar variation 534515 (VCV000534515.12), dbSNP rs1554814448, ClinGen allele CA467594488.